The following continues an entry in ClinVar:

NM_000059.4(BRCA2):c.5217_5223del (p.Thr1738_Tyr1739insTer)

Gene: BRCA2. ClinVar aggregate classification (germline): Pathogenic. Pathogenic (1).

Submissions 13 to 25 of 25:

Revvity Omics, Revvity
Classification: Pathogenic. Last evaluated: 2022-08-02. Review status: criteria provided, single submitter. Criteria: ACMG Guidelines, 2015. Collection method: clinical testing. Allele origin: germline. Not counted in ClinVar's aggregate classification.

Quest Diagnostics Nichols Institute San Juan Capistrano
Classification: Pathogenic. Last evaluated: 2022-07-03. Review status: criteria provided, single submitter. Criteria: Quest Diagnostics criteria. Collection method: clinical testing. Allele origin: unknown. Not counted in ClinVar's aggregate classification.
Comment: This frameshift variant alters the translational reading frame of the BRCA2 mRNA and causes the premature termination of BRCA2 protein synthesis. The frequency of this variant in the general population, 0.000004 (1/248722 chromosomes), is consistent with pathogenicity. In the published literature, the variant has been reported in individuals with breast cancer (PMID: 12698193 (2003), 10717622 (2000), 22776961 (2012)) and ovarian cancer (PMID: 26350514 (2015)). Based on the available information, this variant is classified as pathogenic.

Women's Health and Genetics/Laboratory Corporation of America, LabCorp
Classification: Pathogenic for Hereditary breast ovarian cancer syndrome. Last evaluated: 2021-04-24. Review status: criteria provided, single submitter. Criteria: LabCorp Variant Classification Summary - May 2015. Collection method: clinical testing. Allele origin: germline. Not counted in ClinVar's aggregate classification.
Comment: Variant summary: BRCA2 c.5217_5223delTTTAAGT (p.Tyr1739X) results in a premature termination codon, predicted to cause a truncation of the encoded protein or absence of the protein due to nonsense mediated decay, which are commonly known mechanisms for disease. Truncations downstream of this position have been classified as pathogenic by our laboratory. The variant allele was found at a frequency of 4e-06 in 250156 control chromosomes. c.5217_5223delTTTAAGT has been widely reported in the literature in multiple individuals affected with Hereditary Breast And Ovarian Cancer Syndrome (example, Rebbeck_2018). These data indicate that the variant is very likely to be associated with disease. To our knowledge, no experimental evidence demonstrating an impact on protein function has been reported. Multiple clinical diagnostic laboratories, an expert panel (ENIGMA) and a consortium (CIMBA) have submitted clinical-significance assessments for this variant to ClinVar after 2014 without evidence for independent evaluation. All submitters classified the variant as pathogenic. Based on the evidence outlined above, the variant was classified as pathogenic.

ARUP Laboratories, Molecular Genetics and Genomics, ARUP Laboratories
Classification: Pathogenic. Last evaluated: 2020-04-01. Review status: criteria provided, single submitter. Criteria: ARUP Molecular Germline Variant Investigation Process. Collection method: clinical testing. Allele origin: germline. Not counted in ClinVar's aggregate classification.
Comment: The BRCA2 c.5217_5223del; p.Tyr1739Ter variant (rs80359496), also known as 5445del7, is reported in the literature in multiple families affected with breast and ovarian cancer syndrome (Malone 2000, Scottish/Northern Irish BRCAI/BRCA2 Consortium 2003). This variant is found on only a single chromosome in the Genome Aggregation Database (1/248722 alleles), indicating it is not a common polymorphism. This variant deletes seven nucleotides and induces an early termination codon, so it is predicted to result in a truncated protein or mRNA subject to nonsense-mediated decay. Based on the above information, this variant is considered pathogenic. References: Malone KE et al. Frequency of BRCA1/BRCA2 mutations in a population-based sample of young breast carcinoma cases. Cancer. 2000 Mar 15;88(6):1393-402. Scottish/Northern Irish BRCAI/BRCA2 Consortium. BRCA1 and BRCA2 mutations in Scotland and Northern Ireland. Br J Cancer. 2003 Apr 22;88(8):1256-62.

Human Genome Sequencing Center Clinical Lab, Baylor College of Medicine
Classification: Pathogenic for Breast-ovarian cancer, familial, susceptibility to, 2. Last evaluated: 2018-04-27. Review status: criteria provided, single submitter. Criteria: ACMG Guidelines, 2015. Collection method: clinical testing. Allele origin: germline. Not counted in ClinVar's aggregate classification.
Comment: This c.5217_5223del (p.Tyr1739*) variant in exon 11 of the BRCA2 gene is a deletion of seven nucleotides and is predicted to cause loss of function of normal protein through mRNA decay or producing a truncated protein, which is a known disease mechanism for this gene. This particular variant (also published as c.5445del7) has been reported in multiple hereditary breast and ovarian cancer patients (PMID: 10717622, 26350514). The c.5217_5223del variant in the BRCA2 gene is classified as pathogenic.

Consortium of Investigators of Modifiers of BRCA1/2 (CIMBA), c/o University of Cambridge
Classification: Pathogenic for Breast-ovarian cancer, familial, susceptibility to, 2. Last evaluated: 2015-10-02. Review status: criteria provided, single submitter. Criteria: CIMBA Mutation Classification guidelines May 2016. Collection method: clinical testing. Allele origin: germline. Not counted in ClinVar's aggregate classification.

Department of Medical Genetics, Oslo University Hospital
Classification: Pathogenic for Breast-ovarian cancer, familial, susceptibility to, 2. Last evaluated: 2015-07-01. Review status: criteria provided, single submitter. Criteria: ACMG Guidelines, 2015. Collection method: clinical testing. Allele origin: germline. Affected: yes. Observed: 230 variant alleles. Not counted in ClinVar's aggregate classification.

Rady Children's Institute for Genomic Medicine, Rady Children's Hospital San Diego
Classification: Pathogenic for BRCA2-related disorders. Review status: criteria provided, single submitter. Criteria: ACMG Guidelines, 2015. Collection method: clinical testing. Allele origin: germline. Affected: yes. Not counted in ClinVar's aggregate classification.
Comment: This frameshifting variant in exon 11 of 28 introduces a premature stop codon and is therefore predicted to result in loss of normal protein function through either protein truncation or nonsense-mediated mRNA decay (NMD). This variant has been previously reported as a heterozygous change in patients with breast and ovarian cancer (PMID: 10717622, 28888541, 29339979, 30787465, 30720243, 31447099). Loss-of-function variation at the same amino acid residue (p.Tyr1739) has been previously reported in individuals with breast, ovarian, and prostate cancer (PMID: 12872265, 26681312, 32341426, 9150154, 11802209). Loss-of-function variation in BRCA2 is an established mechanism of disease (PMID: 20104584, 20301425). The c.5217_5223del (p.Tyr1739Ter) variant is present in the heterozygous state in the gnomAD population database at a frequency of 0.0004% (1/248722) and thus is presumed to be rare. Based on the available evidence, the c.5217_5223del (p.Tyr1739Ter) variant is classified as Pathogenic.

BRCAlab, Lund University
Classification: Pathogenic for Breast-ovarian cancer, familial, susceptibility to, 2. Last evaluated: 2022-08-26. Review status: no assertion criteria provided. Collection method: clinical testing. Allele origin: germline. Affected: yes. Not counted in ClinVar's aggregate classification.

Research Molecular Genetics Laboratory, Women's College Hospital, University of Toronto
Classification: Pathogenic for Hereditary breast ovarian cancer syndrome. Last evaluated: 2014-01-31. Review status: no assertion criteria provided. Collection method: research. Allele origin: germline. Affected: yes. Study: The Canadian Open Genetics Repository (COGR). Not counted in ClinVar's aggregate classification.

Sharing Clinical Reports Project (SCRP)
Classification: Pathogenic for Breast-ovarian cancer, familial 2. Last evaluated: 2013-03-06. Review status: no assertion criteria provided. Collection method: clinical testing. Allele origin: germline. Not counted in ClinVar's aggregate classification.

Breast Cancer Information Core (BIC) (BRCA2)
Classification: Pathogenic for Breast-ovarian cancer, familial 2. Last evaluated: 2002-05-29. Review status: no assertion criteria provided. Collection method: clinical testing. Allele origin: germline. Affected: yes. Observed: 15 variant alleles. Not counted in ClinVar's aggregate classification.

Department of Pathology and Laboratory Medicine, Sinai Health System
Classification: Pathogenic for Breast-ovarian cancer, familial, susceptibility to, 2. Review status: no assertion criteria provided. Collection method: clinical testing. Allele origin: unknown. Affected: yes. Observed: 1 variant allele. Study: The Canadian Open Genetics Repository (COGR). Not counted in ClinVar's aggregate classification.
Comment: The c.5217_5223del (p.Tyr1739X) deletion variant has been previously reported in the literature in one of 386 probands with breast carcinoma (Malone 2000). The variant was also reported 14 times in BIC database as having "clinical importance". Several databases including LOVD and UMD also report different variants at the same codon with the same amino acid consequence. This deletion is predicted to cause a frameshift, which leads to a premature stop codon at position 1739. This alteration is then predicted to result in a truncated or absent protein and loss of function. Loss of function variants of the BRCA2 gene are an established mechanism for hereditary breast and ovarian cancer. In summary, based on the above information, this variant is classified as pathogenic.

Literature cited by the submitters: PubMed 20104584 (cited by Labcorp Genetics (formerly Invitae), Labcorp); PubMed 10717622 (cited by 6 submitters); PubMed 26350514 (cited by 5 submitters); PubMed 11710890 (cited by Color Diagnostics, LLC DBA Color Health); PubMed 12698193 (cited by 3 submitters); PubMed 21702907 (cited by Color Diagnostics, LLC DBA Color Health); PubMed 22776961 (cited by 4 submitters); PubMed 33471991 (cited by Color Diagnostics, LLC DBA Color Health); PubMed 15131399 (cited by 3 submitters); PubMed 29339979 (cited by Ambry Genetics and Quest Diagnostics Nichols Institute San Juan Capistrano); PubMed 39194688 (cited by Mayo Clinic Laboratories, Mayo Clinic); PubMed 30720243 (cited by Quest Diagnostics Nichols Institute San Juan Capistrano); PubMed 31447099 (cited by Quest Diagnostics Nichols Institute San Juan Capistrano); PubMed 29446198 (cited by Quest Diagnostics Nichols Institute San Juan Capistrano and Women's Health and Genetics/Laboratory Corporation of America, LabCorp); PubMed 26295337 (cited by Quest Diagnostics Nichols Institute San Juan Capistrano).